The following is an entry in ClinVar:

ClinVar aggregate classification (germline): Uncertain significance (1 of 4 stars; one submission).

Conditions:
Polyglandular autoimmune syndrome, type 1 (APS1). Also called: PGA I; Autoimmune polyendocrinopathy syndrome , type I, with or without reversible metaphyseal dysplasia; HYPOADRENOCORTICISM WITH HYPOPARATHYROIDISM AND SUPERFICIAL MONILIASIS; Autoimmune polyendocrine syndrome type 1; Autoimmune polyendocrinopathy syndrome, type I; AUTOIMMUNE POLYENDOCRINE SYNDROME, TYPE I, WITH OR WITHOUT REVERSIBLE METAPHYSEAL DYSPLASIA. Identifiers: Orphanet 3453, MedGen C0085859, MONDO:0009411, OMIM 240300.

Allele frequency attached by ClinVar (database versions not stated): TOPMed 0.00002; gnomAD 0.00005; ESP Exome Variant Server 0.00016; ExAC 0.00020; 1000 Genomes Project 30x 0.00031; 1000 Genomes Project 0.00040.
gnomAD v4.1: 67 of 1,572,296 alleles (0.0043%); highest among the groups gnomAD compares: East Asian, 0.021%; 1 homozygote.

Submission:

Labcorp Genetics (formerly Invitae), Labcorp
Classification: Uncertain significance for Polyglandular autoimmune syndrome, type 1. Last evaluated: 2025-01-26. Review status: criteria provided, single submitter. Criteria: Invitae Variant Classification Sherloc (09022015). Collection method: clinical testing. Allele origin: germline.
Comment: This sequence change replaces arginine, which is basic and polar, with tryptophan, which is neutral and slightly polar, at codon 351 of the AIRE protein (p.Arg351Trp). The frequency data for this variant in the population databases is considered unreliable, as metrics indicate poor data quality at this position in the gnomAD database. This variant has not been reported in the literature in individuals affected with AIRE-related conditions. ClinVar contains an entry for this variant (Variation ID: 2194379). Invitae Evidence Modeling of protein sequence and biophysical properties (such as structural, functional, and spatial information, amino acid conservation, physicochemical variation, residue mobility, and thermodynamic stability) indicates that this missense variant is not expected to disrupt AIRE protein function with a negative predictive value of 95%. In summary, the available evidence is currently insufficient to determine the role of this variant in disease. Therefore, it has been classified as a Variant of Uncertain Significance.

NM_000383.4(AIRE):c.1051C>T (p.Arg351Trp)

Gene: AIRE (autoimmune regulator; plus strand). Cytogenetic location: 21q22.3.
Variant type: single nucleotide variant.
Coding change: c.1051C>T on transcript NM_000383.4 (MANE Select); coding-DNA position 1051, C replaced by T.
Protein change: p.Arg351Trp; replaces arginine 351 with tryptophan.
Molecular consequence: missense variant.
Genome position (GRCh38, 1-based): chr21:44,292,357, C>T. VCF-style: chr21-44292357-C-T. GRCh37 (hg19) VCF-style: chr21-45712240-C-T.
Other names: short protein forms R351W.
Identifiers: ClinVar variation 2194379 (VCV002194379.2), dbSNP rs149078622, ClinGen allele CA10051905.
Genomic context (GRCh38, chr21:44,292,357, plus strand): 5'-AGCAGTGGGACCTGGAGGTGCTCCAGCTGCCTGCAGGCAACAGTCCAGGAGGTGCAGCCC[C>T]GGGCAGAGGAGCCCCGGCCCCAGGAGCCACCCGTGGAGACCCCGGTATGGCCACGCCCCC-3'
Protein context (NP_000374.1, residues 341-361): LQATVQEVQP[Arg351Trp]AEEPRPQEPP